The following is an entry in ClinVar:

NM_002185.5(IL7R):c.82+46C>T

Gene: IL7R (interleukin 7 receptor; plus strand). Cytogenetic location: 5p13.2.
Variant type: single nucleotide variant.
Coding change: c.82+46C>T on transcript NM_002185.5 (MANE Select); 46 bases into the intron after coding-DNA position 82, C replaced by T.
Molecular consequence: intron variant.
Genome position (GRCh38, 1-based): chr5:35,857,105, C>T. VCF-style: chr5-35857105-C-T. GRCh37 (hg19) VCF-style: chr5-35857207-C-T.
Identifiers: ClinVar variation 1267196 (VCV001267196.5), dbSNP rs1353251, ClinGen allele CA3231832.
Genomic context (GRCh38, chr5:35,857,105, plus strand): 5'-GCTATGCTCAAAATGGTGAGTCATTTCTAAGTTTTCTTATGGATTTTGGATTATCTGTAG[C>T]ATGGTTTCAGGTTATTCAGTTCCCTAACAGACCTGAGTCAGGCACTGGGTTTGAATGCAG-3'

ClinVar aggregate classification (germline): Benign. Review status: criteria provided, multiple submitters, no conflicts (2 of 4 stars). 3 submissions from 3 submitters: Benign (3). Last evaluated 2024-01-24.

Allele frequency attached by ClinVar (database versions not stated): ESP Exome Variant Server 0.15488; gnomAD 0.17710 and 0.19131; TOPMed 0.19371; ExAC 0.25995; 1000 Genomes Project 30x 0.27249; gnomAD exomes 0.27382; 1000 Genomes Project 0.27995.
gnomAD v4.1: 280,186 of 1,209,236 alleles (23%); highest among the groups gnomAD compares: East Asian, 52%; 38,910 homozygotes.

Submissions (3):

Unidad de Genómica Garrahan, Hospital de Pediatría Garrahan
Classification: Benign. Last evaluated: 2024-01-24. Review status: criteria provided, single submitter. Criteria: ACMG Guidelines, 2015. Collection method: clinical testing. Allele origin: germline. Affected: no. Observed: 52 variant alleles.
Comment: This variant is classified as Benign based on local population frequency. This variant was detected in 55% of patients studied by a panel of primary immunodeficiencies. Number of patients: 52. Only high quality variants are reported.

GeneDx
Classification: Benign. Last evaluated: 2015-03-03. Review status: criteria provided, single submitter. Criteria: GeneDx Variant Classification Process June 2021. Collection method: clinical testing. Allele origin: germline. Affected: yes.

Breakthrough Genomics
Classification: Benign. Review status: criteria provided, single submitter. Criteria: ACMG Guidelines, 2015. Collection method: not provided. Allele origin: germline. Inheritance: Autosomal recessive inheritance. Affected: yes.